The following is an entry in ClinVar:

ClinVar aggregate classification (germline): Pathogenic/Likely pathogenic. Review status: criteria provided, multiple submitters, no conflicts (2 of 4 stars). 6 submissions from 6 submitters: Pathogenic (3); Likely pathogenic (1). 2 of the submissions do not count toward it. Last evaluated 2026-07-10.

Conditions:
Epilepsy. Also called: Seizure disorder. Identifiers: MedGen C0014544, MeSH D004827, MONDO:0005027.
Seizure. Also called: Seizures. Identifiers: MedGen C0036572, HP:0001250.
KCNQ2-Related Disorders. Also called: KCNQ2-related disorder; KCNQ2-related condition. Identifiers: MedGen CN169299.
Early-infantile DEE. Also called: Ohtahara syndrome; Early infantile epileptic encephalopathy with suppression bursts; Early infantile epileptic encephalopathy. Identifiers: Orphanet 1934, MedGen C0393706, MONDO:0800491.

Allele frequency attached by ClinVar (database versions not stated): gnomAD exomes below 0.00001.
gnomAD v4.1: 1 of 1,613,432 alleles (0.000062%); highest among the groups gnomAD compares: Non-Finnish European, 0.000085%; no homozygotes.

Submissions (6):

Cytogénomique, Hospices Civils de Lyon
Classification: Pathogenic for Epilepsy. Last evaluated: 2026-07-10. Review status: criteria provided, single submitter. Criteria: ACMG Guidelines, 2015. Collection method: clinical testing. Allele origin: germline. Affected: yes.

Labcorp Genetics (formerly Invitae), Labcorp
Classification: Pathogenic for Early-infantile DEE. Last evaluated: 2025-10-02. Review status: criteria provided, single submitter. Criteria: Invitae Variant Classification Sherloc (09022015). Collection method: clinical testing. Allele origin: germline.
Comment: This sequence change replaces arginine, which is basic and polar, with glutamine, which is neutral and polar, at codon 560 of the KCNQ2 protein (p.Arg560Gln). This variant is not present in population databases (gnomAD no frequency). This missense change has been observed in individual(s) with clinical features of KCNQ2-related conditions (PMID: 29655203; internal data). In at least one individual the variant was observed to be de novo. ClinVar contains an entry for this variant (Variation ID: 372677). Invitae Evidence Modeling of protein sequence and biophysical properties (such as structural, functional, and spatial information, amino acid conservation, physicochemical variation, residue mobility, and thermodynamic stability) indicates that this missense variant is expected to disrupt KCNQ2 protein function with a positive predictive value of 95%. This variant disrupts the p.Arg560 amino acid residue in KCNQ2. Other variant(s) that disrupt this residue have been determined to be pathogenic (PMID: 22275249, 24318194, 25880994). This suggests that this residue is clinically significant, and that variants that disrupt this residue are likely to be disease-causing. For these reasons, this variant has been classified as Pathogenic.

Centre for Inherited Metabolic Diseases, Karolinska University Hospital
Classification: Pathogenic for Epilepsy. Last evaluated: 2025-08-11. Review status: criteria provided, single submitter. Criteria: ACMG Guidelines, 2015. Collection method: clinical testing. Allele origin: inherited. Inheritance: Autosomal dominant inheritance. Affected: yes. Observed: 1 heterozygote.
Comment: Used criteria: PS4-moderate, PM1, PM2, PM5, PP1 (according to Biesecker et al. 2023), PP2, PP3

GeneDx
Classification: Likely pathogenic. Last evaluated: 2015-09-14. Review status: criteria provided, single submitter. Criteria: GeneDx Variant Classification (06012015). Collection method: clinical testing. Allele origin: germline. Affected: yes.
Comment: A novel R560Q variant that is likely pathogenic has been identified in the KCNQ2 gene. The R560Q variant has not been published as a pathogenic variant, nor has it been reported as a benign polymorphism to our knowledge. However, a different amino acid substitution at the same residue (R560W) was previously reported as a de novo pathogenic variant in an individual with benign familial neonatal seizures (Weckhuysen et al. 2012). Missense variants in nearby residues (R553W/Q/L, P561L, D563E) have been reported in the Human Gene Mutation Database in association with KCNQ2-related disorders (Stenson et al., 2014), supporting the functional importance of this region of the protein. The R560Q substitution was not observed in approximately 6,500 individuals of European and African American ancestry in the NHLBI Exome Sequencing Project, indicating it is not a common benign variant in these populations. The R560Q variant is a semi-conservative amino acid substitution, which may impact secondary protein structure as these residues differ in some properties. This substitution occurs at a position that is conserved across species, and in silico analysis predicts this variant is probably damaging to the protein structure/function. Therefore, this variant is likely pathogenic; however, the possibility that it is benign cannot be excluded.

PreventionGenetics, part of Exact Sciences
Classification: Likely pathogenic for KCNQ2-related condition. Last evaluated: 2023-11-21. Review status: no assertion criteria provided. Collection method: clinical testing. Allele origin: germline. Not counted in ClinVar's aggregate classification.
Comment: The KCNQ2 c.1679G>A variant is predicted to result in the amino acid substitution p.Arg560Gln. This variant was reported in an individual with epilepsy and/or a neurodevelopmental disorder (Lindy et al. 2018. PubMed ID: 29655203, supp table 4). This variant has not been reported in a large population database, indicating it is rare. A different missense variant (p.Arg560Trp) affecting the same amino acid has been reported in a large number of individuals with epilepsy phenotypes and is considered to be pathogenic (see for example, Weckhuysen et al. 2012. PubMed ID: 22275249). Neighboring missense variants at amino acid 556, 561 and 563 have also been reported in individuals with epilepsy (Human Gene Mutation Database). Taken together, the c.1679G>A (p.Arg560Gln) variant is interpreted as likely pathogenic.

Diagnostic Laboratory, Strasbourg University Hospital
Classification: Likely pathogenic for Seizure. Review status: no assertion criteria provided. Collection method: clinical testing. Allele origin: paternal. Affected: yes. Observed: 1 heterozygote. Not counted in ClinVar's aggregate classification.

Literature cited by the submitters: PubMed 29655203 (cited by Labcorp Genetics (formerly Invitae), Labcorp); PubMed 22275249 (cited by Labcorp Genetics (formerly Invitae), Labcorp); PubMed 24318194 (cited by Labcorp Genetics (formerly Invitae), Labcorp); PubMed 25880994 (cited by Labcorp Genetics (formerly Invitae), Labcorp).

NM_172107.4(KCNQ2):c.1679G>A (p.Arg560Gln)

Gene: KCNQ2 (potassium voltage-gated channel subfamily Q member 2; minus strand). Cytogenetic location: 20q13.33.
Variant type: single nucleotide variant.
Coding change: c.1679G>A on transcript NM_172107.4 (MANE Select); coding-DNA position 1679, G replaced by A.
Protein change: p.Arg560Gln; replaces arginine 560 with glutamine.
Molecular consequence: missense variant.
Genome position (GRCh38, 1-based): chr20:63,413,534, C>T on the plus strand (G>A on the coding strand, the complement: KCNQ2 is on the minus strand). VCF-style: chr20-63413534-C-T. GRCh37 (hg19) VCF-style: chr20-62044887-C-T.
Other names: c.1595G>A, p.Arg532Gln (NM_004518.6); c.1625G>A, p.Arg542Gln (NM_172106.3); c.1586G>A, p.Arg529Gln (NM_172108.5); short protein forms R560Q, R529Q, R532Q, R542Q.
Identifiers: ClinVar variation 372677 (VCV000372677.14), dbSNP rs1057517919, ClinGen allele CA16043113.